The following is an entry in ClinVar:

NM_001035.3(RYR2):c.291dup (p.Trp98fs)

Gene: RYR2 (ryanodine receptor 2; plus strand). Cytogenetic location: 1q43.
Variant type: Duplication.
Coding change: c.291dup on transcript NM_001035.3 (MANE Select); coding-DNA position 291, one base duplicated (A; older notation c.291dupA).
Protein change: p.Trp98fs; shifts the reading frame from tryptophan 98.
Molecular consequence: frameshift variant.
Genome position (GRCh38, 1-based): chr1:237,355,982, A duplicated; the last of 5 consecutive A bases (chr1:237,355,978-237,355,982); duplicating any one gives the same sequence. VCF-style (leftmost placement, unchanged base first): chr1-237355977-G-GA. GRCh37 (hg19) VCF-style: chr1-237519277-G-GA.
Other names: short protein forms W98fs.
Identifiers: ClinVar variation 3069461 (VCV003069461.1), dbSNP rs2529605885, ClinGen allele CA2825000946.
Genomic context (GRCh38, chr1:237,355,977, plus strand): 5'-CTAGGTATTTGTTTGTTTGTTATTTATTTTGGCTTTTTCTTTCCACAGCAAGTTGATGTG[G>GA]AAAAATGGGTATGTGTTTCCATGTATTTGCAAAGAAATTGTGATCTAAAAGTGCATGCTT-3'

ClinVar aggregate classification (germline): Uncertain significance (1 of 4 stars; one submission).

Conditions:
Catecholaminergic polymorphic ventricular tachycardia (CVPT). Also called: Catecholamine-induced polymorphic ventricular tachycardia. Identifiers: Orphanet 3286, MedGen C5574922, MONDO:0017990.

Submission:

All of Us Research Program, National Institutes of Health
Classification: Uncertain significance for Catecholaminergic polymorphic ventricular tachycardia. Last evaluated: 2023-03-04. Review status: criteria provided, single submitter. Criteria: ACMG Guidelines, 2015. Collection method: clinical testing. Allele origin: germline. Inheritance: Autosomal dominant inheritance. Observed: 1 variant allele, 1 heterozygote.
Comment: This study involves interpretation of variants in research participants for the purpose of population health screening. Participant phenotype was not available at the time of variant classification. Additional details can be found in publication PMID: 35346344, PMCID: PMC8962531